The following is an entry in ClinVar:

NM_000458.4(HNF1B):c.1579C>T (p.Arg527Trp)

Gene: HNF1B (HNF1 homeobox B; minus strand). Cytogenetic location: 17q12.
Variant type: single nucleotide variant.
Coding change: c.1579C>T on transcript NM_000458.4 (MANE Select); coding-DNA position 1579, C replaced by T.
Protein change: p.Arg527Trp; replaces arginine 527 with tryptophan.
Molecular consequence: missense variant. On other transcripts: intron variant (2).
Genome position (GRCh38, 1-based): chr17:37,699,150, G>A on the plus strand (C>T on the coding strand, the complement: HNF1B is on the minus strand). VCF-style: chr17-37699150-G-A. GRCh37 (hg19) VCF-style: chr17-36059156-G-A.
Other names: c.1501C>T, p.Arg501Trp (NM_001165923.4); c.1261+5767C>T (NM_001304286.2); c.1534+1833C>T (NM_001411100.1); short protein forms R527W, R501W.
Identifiers: ClinVar variation 2969351 (VCV002969351.2), dbSNP rs777473392, ClinGen allele CA8518793.
Genomic context (GRCh38, chr17:37,699,150, plus strand): 5'-ACATGTTGGTGAGTGTACTGATGCTGCTGGTATCTGTGACCACCATTGCAGATGGAAACC[G>A]GGAGGTGTGGGAATACTGGGGGGGTTCCTGCTTGTGTGCGTACACTGGAGAGACAGAGTG-3'
Protein context (NP_000449.1, residues 517-537): QEPPQYSHTS[Arg527Trp]FPSAMVVTDT

ClinVar aggregate classification (germline): Uncertain significance. Review status: criteria provided, multiple submitters, no conflicts (2 of 4 stars). 2 submissions from 2 submitters: Uncertain significance (2). Last evaluated 2023-09-04.

Allele frequency attached by ClinVar (database versions not stated): TOPMed below 0.00001; ExAC 0.00001; gnomAD 0.00001; gnomAD exomes 0.00001.
gnomAD v4.1: 6 of 1,613,998 alleles (0.00037%); highest among the groups gnomAD compares: Admixed American, 0.0017%; no homozygotes.

Submissions (2):

Labcorp Genetics (formerly Invitae), Labcorp
Classification: Uncertain significance. Last evaluated: 2023-09-04. Review status: criteria provided, single submitter. Criteria: Invitae Variant Classification Sherloc (09022015). Collection method: clinical testing. Allele origin: germline.
Comment: In summary, the available evidence is currently insufficient to determine the role of this variant in disease. Therefore, it has been classified as a Variant of Uncertain Significance. Advanced modeling of protein sequence and biophysical properties (such as structural, functional, and spatial information, amino acid conservation, physicochemical variation, residue mobility, and thermodynamic stability) performed at Invitae indicates that this missense variant is not expected to disrupt HNF1B protein function. This variant has not been reported in the literature in individuals affected with HNF1B-related conditions. This variant is present in population databases (rs777473392, gnomAD 0.003%). This sequence change replaces arginine, which is basic and polar, with tryptophan, which is neutral and slightly polar, at codon 527 of the HNF1B protein (p.Arg527Trp).

Breakthrough Genomics
Classification: Uncertain significance. Review status: criteria provided, single submitter. Criteria: ACMG Guidelines, 2015. Collection method: not provided. Allele origin: germline. Inheritance: Autosomal dominant inheritance. Affected: yes.